The following is an entry in ClinVar:

NM_003060.4(SLC22A5):c.883G>A (p.Val295Met)

Gene: SLC22A5 (solute carrier family 22 member 5; plus strand). Cytogenetic location: 5q31.1.
Variant type: single nucleotide variant.
Coding change: c.883G>A on transcript NM_003060.4 (MANE Select); coding-DNA position 883, G replaced by A.
Protein change: p.Val295Met; replaces valine 295 with methionine.
Molecular consequence: missense variant.
Genome position (GRCh38, 1-based): chr5:132,387,083, G>A. VCF-style: chr5-132387083-G-A. GRCh37 (hg19) VCF-style: chr5-131722775-G-A.
Other names: c.955G>A, p.Val319Met (NM_001308122.2); short protein forms V319M, V295M.
Identifiers: ClinVar variation 1356527 (VCV001356527.3), dbSNP rs2126786073, ClinGen allele CA360805615.

ClinVar aggregate classification (germline): Uncertain significance (1 of 4 stars; one submission).

Conditions:
Renal carnitine transport defect (CDSP). Also called: Carnitine Deficiency, Systemic; Systemic primary carnitine deficiency disease; CARNITINE DEFICIENCY, SYSTEMIC, DUE TO DEFECT IN RENAL REABSORPTION OF CARNITINE; CARNITINE TRANSPORTER, PLASMA-MEMBRANE, DEFICIENCY OF; CARNITINE UPTAKE DEFECT; Primary carnitine deficiency. Identifiers: Orphanet 158, MedGen C0342788, MONDO:0008919, OMIM 212140.

Allele frequency attached by ClinVar (database versions not stated): gnomAD exomes 0.00001.

Submission:

Labcorp Genetics (formerly Invitae), Labcorp
Classification: Uncertain significance for Renal carnitine transport defect. Last evaluated: 2021-12-12. Review status: criteria provided, single submitter. Criteria: Invitae Variant Classification Sherloc (09022015). Collection method: clinical testing. Allele origin: germline.
Comment: This sequence change replaces valine, which is neutral and non-polar, with methionine, which is neutral and non-polar, at codon 295 of the SLC22A5 protein (p.Val295Met). This variant is not present in population databases (gnomAD no frequency). This variant has not been reported in the literature in individuals affected with SLC22A5-related conditions. Advanced modeling of protein sequence and biophysical properties (such as structural, functional, and spatial information, amino acid conservation, physicochemical variation, residue mobility, and thermodynamic stability) performed at Invitae indicates that this missense variant is not expected to disrupt SLC22A5 protein function. In summary, the available evidence is currently insufficient to determine the role of this variant in disease. Therefore, it has been classified as a Variant of Uncertain Significance.